The following is an entry in ClinVar:

NM_178857.6(RP1L1):c.4515G>A (p.Ser1505=)

Gene: RP1L1 (RP1 like 1). Cytogenetic location: 8p23.1.
Variant type: single nucleotide variant.
Coding change: c.4515G>A on transcript NM_178857.6 (MANE Select); coding-DNA position 4515, G replaced by A.
Protein change: p.Ser1505=; no amino-acid change (serine 1505 retained).
Molecular consequence: synonymous variant.
Genome position (GRCh38, 1-based): chr8:10,609,583, C>T on the plus strand (G>A on the coding strand, the complement: RP1L1 is on the minus strand). VCF-style: chr8-10609583-C-T. GRCh37 (hg19) VCF-style: chr8-10467093-C-T.
Other names: c.4515G>A (NM_178857.5).
Identifiers: ClinVar variation 3027988 (VCV003027988.3), dbSNP rs369405979, ClinGen allele CA4623996.

ClinVar aggregate classification (germline): Uncertain significance. Review status: criteria provided, single submitter (1 of 4 stars). 2 submissions from 2 submitters: Uncertain significance (1). 1 of the submissions does not count toward it. Last evaluated 2023-10-01.

Conditions:
RP1L1-related disorder. Also called: RP1L1-related condition.
Retinal dystrophy. Also called: Inherited retinal dystrophy. Identifiers: Orphanet 71862, MedGen C0854723, MeSH D058499, MONDO:0019118, HP:0000556.

Allele frequency attached by ClinVar (database versions not stated): ESP Exome Variant Server 0.00016.
gnomAD v4.1: 39 of 1,603,812 alleles (0.0024%); highest among the groups gnomAD compares: African/African-American, 0.017%; no homozygotes.

Submissions (2):

Dept Of Ophthalmology, Nagoya University
Classification: Uncertain significance for Retinal dystrophy. Last evaluated: 2023-10-01. Review status: criteria provided, single submitter. Criteria: Submitter's publication. Collection method: research. Allele origin: germline. Affected: yes.

PreventionGenetics, part of Exact Sciences
Classification: Likely benign for RP1L1-related condition. Last evaluated: 2019-02-21. Review status: no assertion criteria provided. Collection method: clinical testing. Allele origin: germline. Not counted in ClinVar's aggregate classification.
Comment: This variant is classified as likely benign based on ACMG/AMP sequence variant interpretation guidelines (Richards et al. 2015 PMID: 25741868, with internal and published modifications).